The following is an entry in ClinVar:

ClinVar aggregate classification (germline): Uncertain significance. Review status: criteria provided, multiple submitters, no conflicts (2 of 4 stars). 2 submissions from 2 submitters: Uncertain significance (2). Last evaluated 2026-01-14.

Conditions:
Hereditary cancer-predisposing syndrome. Also called: Hereditary neoplastic syndrome; Tumor predisposition; Neoplastic Syndromes, Hereditary; Hereditary Cancer Syndrome. Identifiers: Orphanet 140162, MedGen C0027672, MeSH D009386, MONDO:0015356.
Hereditary breast ovarian cancer syndrome. Also called: Hereditary breast and/or ovarian cancer syndrome; Hereditary breast and ovarian cancer; Breast and ovarian cancer; Hereditary breast and ovarian cancer syndrome (HBOC); BRCA1- and BRCA2-Associated Hereditary Breast and Ovarian Cancer; Hereditary breast and ovarian cancer syndrome. Identifiers: Orphanet 145, MedGen C0677776, MeSH D061325, MONDO:0003582. Disease mechanism: loss of function.

Allele frequency attached by ClinVar (database versions not stated): TOPMed below 0.00001.
gnomAD v4.1: 1 of 1,612,560 alleles (0.000062%); highest among the groups gnomAD compares: African/African-American, 0.0013%; no homozygotes.

Submissions (2):

Ambry Genetics
Classification: Uncertain significance for Hereditary cancer-predisposing syndrome. Last evaluated: 2026-01-14. Review status: criteria provided, single submitter. Criteria: Ambry Variant Classification Scheme 2023. Collection method: clinical testing. Allele origin: germline.

Labcorp Genetics (formerly Invitae), Labcorp
Classification: Uncertain significance for Hereditary breast ovarian cancer syndrome. Last evaluated: 2023-09-05. Review status: criteria provided, single submitter. Criteria: Invitae Variant Classification Sherloc (09022015). Collection method: clinical testing. Allele origin: germline.
Comment: This sequence change replaces leucine, which is neutral and non-polar, with serine, which is neutral and polar, at codon 3000 of the BRCA2 protein (p.Leu3000Ser). This variant is not present in population databases (gnomAD no frequency). This variant has not been reported in the literature in individuals affected with BRCA2-related conditions. ClinVar contains an entry for this variant (Variation ID: 1378709). Advanced modeling of protein sequence and biophysical properties (such as structural, functional, and spatial information, amino acid conservation, physicochemical variation, residue mobility, and thermodynamic stability) has been performed at Invitae for this missense variant, however the output from this modeling did not meet the statistical confidence thresholds required to predict the impact of this variant on BRCA2 protein function. In summary, the available evidence is currently insufficient to determine the role of this variant in disease. Therefore, it has been classified as a Variant of Uncertain Significance.

NM_000059.4(BRCA2):c.8999T>C (p.Leu3000Ser)

Gene: BRCA2 (BRCA2 DNA repair associated; plus strand). Cytogenetic location: 13q13.1.
Variant type: single nucleotide variant.
Coding change: c.8999T>C on transcript NM_000059.4 (MANE Select); coding-DNA position 8999, T replaced by C.
Protein change: p.Leu3000Ser; replaces leucine 3000 with serine.
Molecular consequence: missense variant.
Genome position (GRCh38, 1-based): chr13:32,379,795, T>C. VCF-style: chr13-32379795-T-C. GRCh37 (hg19) VCF-style: chr13-32953932-T-C.
Other names: c.8999T>C (NM_000059.3); short protein forms L3000S.
Identifiers: ClinVar variation 1378709 (VCV001378709.12), dbSNP rs80359151, ClinGen allele CA387757440.
Genomic context (GRCh38, chr13:32,379,795, plus strand): 5'-TCTTTCTCCAAACAGTTATACTGAGTATTTGGCGTCCATCATCAGATTTATATTCTCTGT[T>C]AACAGAAGGAAAGAGATACAGAATTTATCATCTTGCAACTTCAAAATCTAAAAGTAAATC-3'
Protein context (NP_000050.3, residues 2990-3010): WRPSSDLYSL[Leu3000Ser]TEGKRYRIYH